The following is an entry in ClinVar:

NM_000038.6(APC):c.3524A>G (p.Gln1175Arg)

Gene: APC (APC regulator of Wnt signaling pathway; plus strand). Cytogenetic location: 5q22.2.
Variant type: single nucleotide variant.
Coding change: c.3524A>G on transcript NM_000038.6 (MANE Select); coding-DNA position 3524, A replaced by G.
Protein change: p.Gln1175Arg; replaces glutamine 1175 with arginine.
Molecular consequence: missense variant. On other transcripts: non-coding transcript variant (2).
Genome position (GRCh38, 1-based): chr5:112,839,118, A>G. VCF-style: chr5-112839118-A-G. GRCh37 (hg19) VCF-style: chr5-112174815-A-G.
Other names: c.3524A>G, p.Gln1175Arg (NM_001407450.1, NM_001127510.3, NM_001354895.2); c.3503A>G, p.Gln1168Arg (NM_001407451.1); c.3494A>G, p.Gln1165Arg (NM_001407452.1); c.3347A>G, p.Gln1116Arg (NM_001407453.1, NM_001354901.2); c.3275A>G, p.Gln1092Arg (NM_001407454.1, NM_001407455.1, NM_001407456.1 and 1 more transcripts); c.3221A>G, p.Gln1074Arg (NM_001407458.1, NM_001407459.1, NM_001407460.1 and 1 more transcripts); c.3137A>G, p.Gln1046Arg (NM_001407467.1, NM_001407469.1); c.2675A>G, p.Gln892Arg (NM_001407470.1, NM_001354906.2); and 12 more; short protein forms Q1084R, Q1134R, Q1147R, Q1157R, Q1168R, Q1203R, Q892R, Q1015R.
Identifiers: ClinVar variation 2770109 (VCV002770109.4), dbSNP rs2533505177, ClinGen allele CA16029075.

ClinVar aggregate classification (germline): Uncertain significance. Review status: criteria provided, multiple submitters, no conflicts (2 of 4 stars). 2 submissions from 2 submitters: Uncertain significance (2). Last evaluated 2023-11-23.

Conditions:
Hereditary cancer-predisposing syndrome. Also called: Hereditary neoplastic syndrome; Hereditary Cancer Syndrome; Neoplastic Syndromes, Hereditary; Tumor predisposition. Identifiers: Orphanet 140162, MedGen C0027672, MeSH D009386, MONDO:0015356.
Familial adenomatous polyposis 1 (FAP1). Also called: POLYPOSIS, ADENOMATOUS INTESTINAL; FAMILIAL ADENOMATOUS POLYPOSIS 1, ATTENUATED. Identifiers: MedGen C2713442, MONDO:0021056, OMIM 175100. Disease mechanism: loss of function.

Submissions (2):

Ambry Genetics
Classification: Uncertain significance for Hereditary cancer-predisposing syndrome. Last evaluated: 2023-11-23. Review status: criteria provided, single submitter. Criteria: Ambry Variant Classification Scheme 2023. Collection method: clinical testing. Allele origin: germline.
Comment: The p.Q1175R variant (also known as c.3524A>G), located in coding exon 15 of the APC gene, results from an A to G substitution at nucleotide position 3524. The glutamine at codon 1175 is replaced by arginine, an amino acid with highly similar properties. This amino acid position is conserved. In addition, in silico predictors for this gene do not accurately predict pathogenicity. Since supporting evidence is limited at this time, the clinical significance of this alteration remains unclear.

Labcorp Genetics (formerly Invitae), Labcorp
Classification: Uncertain significance for Familial adenomatous polyposis 1. Last evaluated: 2023-10-29. Review status: criteria provided, single submitter. Criteria: Invitae Variant Classification Sherloc (09022015). Collection method: clinical testing. Allele origin: germline.
Comment: This sequence change replaces glutamine, which is neutral and polar, with arginine, which is basic and polar, at codon 1175 of the APC protein (p.Gln1175Arg). This variant is not present in population databases (gnomAD no frequency). This variant has not been reported in the literature in individuals affected with APC-related conditions. Advanced modeling of protein sequence and biophysical properties (such as structural, functional, and spatial information, amino acid conservation, physicochemical variation, residue mobility, and thermodynamic stability) performed at Invitae indicates that this missense variant is not expected to disrupt APC protein function with a negative predictive value of 95%. In summary, the available evidence is currently insufficient to determine the role of this variant in disease. Therefore, it has been classified as a Variant of Uncertain Significance.